The following is an entry in ClinVar:

ClinVar aggregate classification (germline): Likely benign. Review status: criteria provided, multiple submitters, no conflicts (2 of 4 stars). 2 submissions from 2 submitters: Likely benign (2). Last evaluated 2025-03-01.

gnomAD v4.1: 4 of 1,614,032 alleles (0.00025%); highest among the groups gnomAD compares: African/African-American, 0.0013%; no homozygotes.

Submissions (2):

CeGaT Center for Human Genetics Tuebingen
Classification: Likely benign. Last evaluated: 2025-03-01. Review status: criteria provided, single submitter. Criteria: CeGaT Center For Human Genetics Tuebingen Variant Classification Criteria Version 2. Collection method: clinical testing. Allele origin: germline. Affected: yes. Observed: 1 variant allele.
Comment: KIAA0753: BP4, BP7

Labcorp Genetics (formerly Invitae), Labcorp
Classification: Likely benign. Last evaluated: 2022-08-12. Review status: criteria provided, single submitter. Criteria: Invitae Variant Classification Sherloc (09022015). Collection method: clinical testing. Allele origin: germline.

NM_014804.3(KIAA0753):c.1581A>G (p.Gln527=)

Gene: KIAA0753 (KIAA0753; minus strand). Cytogenetic location: 17p13.1.
Variant type: single nucleotide variant.
Coding change: c.1581A>G on transcript NM_014804.3 (MANE Select); coding-DNA position 1581, A replaced by G.
Protein change: p.Gln527=; no amino-acid change (glutamine 527 retained).
Molecular consequence: synonymous variant. On other transcripts: non-coding transcript variant (3).
Genome position (GRCh38, 1-based): chr17:6,610,125, T>C on the plus strand (A>G on the coding strand, the complement: KIAA0753 is on the minus strand). VCF-style: chr17-6610125-T-C. GRCh37 (hg19) VCF-style: chr17-6513445-T-C.
Other names: c.684A>G, p.Gln228= (NM_001351225.2).
Identifiers: ClinVar variation 1956008 (VCV001956008.12), dbSNP rs772091221, ClinGen allele CA497587438.